The following is an entry in ClinVar:

NM_001035.3(RYR2):c.11646+1G>T

Gene: RYR2 (ryanodine receptor 2; plus strand). Cytogenetic location: 1q43.
Variant type: single nucleotide variant.
Coding change: c.11646+1G>T on transcript NM_001035.3 (MANE Select); the canonical splice donor site of the intron after coding-DNA position 11646, G replaced by T.
Molecular consequence: splice donor variant.
Genome position (GRCh38, 1-based): chr1:237,772,101, G>T. VCF-style: chr1-237772101-G-T. GRCh37 (hg19) VCF-style: chr1-237935401-G-T.
Identifiers: ClinVar variation 1332319 (VCV001332319.9), dbSNP rs2149314836, ClinGen allele CA345407334.

ClinVar aggregate classification (germline): Uncertain significance. Review status: criteria provided, multiple submitters, no conflicts (2 of 4 stars). 2 submissions from 2 submitters: Uncertain significance (2). Last evaluated 2025-03-30.

Conditions:
Cardiomyopathy (CMYO). Also called: Cardiomyopathies. Identifiers: Orphanet 167848, MedGen C0878544, MONDO:0004994, HP:0001638. Inheritance: Various modes of inheritance.
Catecholaminergic polymorphic ventricular tachycardia 1. Also called: VENTRICULAR TACHYCARDIA, CATECHOLAMINERGIC POLYMORPHIC, 1, WITH OR WITHOUT ATRIAL DYSFUNCTION AND/OR DILATED CARDIOMYOPATHY; VENTRICULAR TACHYCARDIA, STRESS-INDUCED POLYMORPHIC 1; RYR2-Related Catecholaminergic Polymorphic Ventricular Tachycardia. Identifiers: Orphanet 3286, MedGen C1631597, MONDO:0011484, OMIM 604772.

Submissions (2):

Labcorp Genetics (formerly Invitae), Labcorp
Classification: Uncertain significance for Catecholaminergic polymorphic ventricular tachycardia 1. Last evaluated: 2025-03-30. Review status: criteria provided, single submitter. Criteria: Invitae Variant Classification Sherloc (09022015). Collection method: clinical testing. Allele origin: germline.
Comment: This sequence change affects a donor splice site in intron 86 of the RYR2 gene. It is expected to disrupt RNA splicing. Variants that disrupt the donor or acceptor splice site typically lead to a loss of protein function (PMID: 16199547), however the current clinical and genetic evidence is not sufficient to establish whether loss-of-function variants in RYR2 cause disease. This variant is not present in population databases (gnomAD no frequency). This variant has not been reported in the literature in individuals affected with RYR2-related conditions. ClinVar contains an entry for this variant (Variation ID: 1332319). Algorithms developed to predict the effect of sequence changes on RNA splicing suggest that this variant may disrupt the consensus splice site. In summary, the available evidence is currently insufficient to determine the role of this variant in disease. Therefore, it has been classified as a Variant of Uncertain Significance.

Color Diagnostics, LLC DBA Color Health
Classification: Uncertain significance for Cardiomyopathy. Last evaluated: 2021-03-16. Review status: criteria provided, single submitter. Criteria: ACMG Guidelines, 2015. Collection method: clinical testing. Allele origin: germline.
Comment: This variant causes a G to T nucleotide substitution at the +1 position of intron 86 of the RYR2 gene. Splice prediction tools suggest that this variant may have a significant impact on splicing. To our knowledge, functional studies have not been reported for this variant. This variant has not been reported in individuals affected with cardiovascular disorders in the literature. This variant has not been identified in the general population by the Genome Aggregation Database (gnomAD). Clinical relevance of loss-of-function truncation and splice variants in the RYR2 gene is not clearly established. The available evidence is insufficient to determine the role of this variant in disease conclusively. Therefore, this variant is classified as a Variant of Uncertain Significance.

Literature cited by the submitters: PubMed 16199547 (cited by Labcorp Genetics (formerly Invitae), Labcorp).